The following is an entry in ClinVar:

NM_001927.4(DES):c.1372-2A>G

Gene: DES (desmin; plus strand). Cytogenetic location: 2q35.
Variant type: single nucleotide variant.
Coding change: c.1372-2A>G on transcript NM_001927.4 (MANE Select); the canonical splice acceptor site of the intron before coding-DNA position 1372, A replaced by G.
Molecular consequence: splice acceptor variant. On other transcripts: intron variant (1).
Genome position (GRCh38, 1-based): chr2:219,425,947, A>G. VCF-style: chr2-219425947-A-G. GRCh37 (hg19) VCF-style: chr2-220290669-A-G.
Other names: c.1371+202A>G (NM_001382712.1); c.1351-2A>G (NM_001382711.1); c.1303-2A>G (NM_001382710.1); c.940-2A>G (NM_001382709.1); c.1369-2A>G (NM_001382708.1); c.1102-2A>G (NM_001382713.1).
Identifiers: ClinVar variation 2931582 (VCV002931582.3), dbSNP rs1486500423, ClinGen allele CA350698916.

ClinVar aggregate classification (germline): Uncertain significance (1 of 4 stars; one submission).

Conditions:
Desmin-related myofibrillar myopathy (MFM1). Also called: Desminopathy; Desmin related myopathy (former name); Desmin storage myopathy (former name); Myofibrillar myopathy 1; MYOFIBRILLAR MYOPATHY WITH ARRHYTHMOGENIC RIGHT VENTRICULAR CARDIOMYOPATHY; DESMIN-RELATED MYOPATHY WITH ARRHYTHMOGENIC RIGHT VENTRICULAR CARDIOMYOPATHY. Identifiers: Orphanet 363543, Orphanet 98909, MedGen C1832370, MONDO:0011076, OMIM 601419.

Allele frequency attached by ClinVar (database versions not stated): TOPMed below 0.00001; gnomAD 0.00001; gnomAD exomes 0.00001.
gnomAD v4.1: 5 of 1,613,818 alleles (0.00031%); highest among the groups gnomAD compares: Non-Finnish European, 0.00042%; no homozygotes.

Submission:

Labcorp Genetics (formerly Invitae), Labcorp
Classification: Uncertain significance for Desmin-related myofibrillar myopathy. Last evaluated: 2024-08-07. Review status: criteria provided, single submitter. Criteria: Invitae Variant Classification Sherloc (09022015). Collection method: clinical testing. Allele origin: germline.
Comment: This sequence change affects an acceptor splice site in intron 8 of the DES gene. While this variant is not anticipated to result in nonsense mediated decay, it likely alters RNA splicing and results in a disrupted protein product. This variant is not present in population databases (gnomAD no frequency). This variant has not been reported in the literature in individuals affected with DES-related conditions. Variants that disrupt the consensus splice site are a relatively common cause of aberrant splicing (PMID: 17576681, 9536098). Algorithms developed to predict the effect of sequence changes on RNA splicing suggest that this variant may disrupt the consensus splice site. In summary, the available evidence is currently insufficient to determine the role of this variant in disease. Therefore, it has been classified as a Variant of Uncertain Significance.

Literature cited by the submitters: PubMed 17576681; PubMed 9536098.